The following is an entry in ClinVar:

NM_005219.5(DIAPH1):c.2482+5G>A

Gene: DIAPH1 (diaphanous related formin 1; minus strand). Cytogenetic location: 5q31.3.
Variant type: single nucleotide variant.
Coding change: c.2482+5G>A on transcript NM_005219.5 (MANE Select); 5 bases into the intron after coding-DNA position 2482, G replaced by A.
Molecular consequence: intron variant.
Genome position (GRCh38, 1-based): chr5:141,571,423, C>T on the plus strand (G>A on the coding strand, the complement: DIAPH1 is on the minus strand). VCF-style: chr5-141571423-C-T. GRCh37 (hg19) VCF-style: chr5-140950990-C-T.
Other names: c.2455+5G>A (NM_001079812.3); c.2482+5G>A (NM_001314007.2).
Identifiers: ClinVar variation 3752014 (VCV003752014.2).

ClinVar aggregate classification (germline): Uncertain significance (1 of 4 stars; one submission).

Conditions:
Autosomal dominant nonsyndromic hearing loss 1. Also called: KONIGSMARK SYNDROME; DEAFNESS, AUTOSOMAL DOMINANT 1, WITH OR WITHOUT THROMBOCYTOPENIA. Identifiers: Orphanet 90635, MedGen C1852282, MONDO:0007424, OMIM 124900.
Progressive microcephaly-seizures-cortical blindness-developmental delay syndrome. Also called: Seizures, cortical blindness, and microcephaly syndrome. Identifiers: Orphanet 477814, MedGen C5567650, MONDO:0014714, OMIM 616632.

gnomAD v4.1: 3 of 1,608,668 alleles (0.00019%); highest among the groups gnomAD compares: East Asian, 0.0067%; no homozygotes.

Submission:

Labcorp Genetics (formerly Invitae), Labcorp
Classification: Uncertain significance for Progressive microcephaly-seizures-cortical blindness-developmental delay syndrome; Autosomal dominant nonsyndromic hearing loss 1. Last evaluated: 2025-01-25. Review status: criteria provided, single submitter. Criteria: Invitae Variant Classification Sherloc (09022015). Collection method: clinical testing. Allele origin: germline.
Comment: This sequence change falls in intron 18 of the DIAPH1 gene. It does not directly change the encoded amino acid sequence of the DIAPH1 protein. It affects a nucleotide within the consensus splice site. This variant is present in population databases (rs200005150, gnomAD 0.006%). This variant has not been reported in the literature in individuals affected with DIAPH1-related conditions. Variants that disrupt the consensus splice site are a relatively common cause of aberrant splicing (PMID: 17576681, 9536098). Algorithms developed to predict the effect of sequence changes on RNA splicing suggest that this variant may disrupt the consensus splice site. In summary, the available evidence is currently insufficient to determine the role of this variant in disease. Therefore, it has been classified as a Variant of Uncertain Significance.

Literature cited by the submitters: PubMed 17576681; PubMed 9536098.